The following is an entry in ClinVar:

ClinVar aggregate classification (germline): Uncertain significance (1 of 4 stars; one submission).

Conditions:
Lethal congenital glycogen storage disease of heart. Also called: PHOSPHORYLASE KINASE DEFICIENCY OF HEART; GLYCOGEN STORAGE DISEASE OF HEART. Identifiers: Orphanet 439854, MedGen C1849813, MONDO:0009867, OMIM 261740.

Submission:

Labcorp Genetics (formerly Invitae), Labcorp
Classification: Uncertain significance for Lethal congenital glycogen storage disease of heart. Last evaluated: 2023-10-11. Review status: criteria provided, single submitter. Criteria: Invitae Variant Classification Sherloc (09022015). Collection method: clinical testing. Allele origin: germline.
Comment: This sequence change replaces isoleucine, which is neutral and non-polar, with valine, which is neutral and non-polar, at codon 436 of the PRKAG2 protein (p.Ile436Val). This variant is not present in population databases (gnomAD no frequency). This variant has not been reported in the literature in individuals affected with PRKAG2-related conditions. Advanced modeling of protein sequence and biophysical properties (such as structural, functional, and spatial information, amino acid conservation, physicochemical variation, residue mobility, and thermodynamic stability) has been performed at Invitae for this missense variant, however the output from this modeling did not meet the statistical confidence thresholds required to predict the impact of this variant on PRKAG2 protein function. In summary, the available evidence is currently insufficient to determine the role of this variant in disease. Therefore, it has been classified as a Variant of Uncertain Significance.

NM_016203.4(PRKAG2):c.1306A>G (p.Ile436Val)

Gene: PRKAG2 (protein kinase AMP-activated non-catalytic subunit gamma 2; minus strand). Cytogenetic location: 7q36.1.
Variant type: single nucleotide variant.
Coding change: c.1306A>G on transcript NM_016203.4 (MANE Select); coding-DNA position 1306, A replaced by G.
Protein change: p.Ile436Val; replaces isoleucine 436 with valine.
Molecular consequence: missense variant.
Genome position (GRCh38, 1-based): chr7:151,565,813, T>C on the plus strand (A>G on the coding strand, the complement: PRKAG2 is on the minus strand). VCF-style: chr7-151565813-T-C. GRCh37 (hg19) VCF-style: chr7-151262899-T-C.
Other names: c.1174A>G, p.Ile392Val (NM_001040633.2, NM_001407024.1); c.931A>G, p.Ile311Val (NM_001304527.2, NM_001407029.1); c.583A>G, p.Ile195Val (NM_001304531.2, NM_001407034.1, NM_001407035.1 and 1 more transcripts); c.934A>G, p.Ile312Val (NM_001363698.2, NM_001407028.1); c.1306A>G, p.Ile436Val (NM_001407021.1); c.1303A>G, p.Ile435Val (NM_001407022.1, NM_001407023.1); c.1171A>G, p.Ile391Val (NM_001407026.1, NM_001407027.1); c.1018A>G, p.Ile340Val (NM_001407030.1); and 6 more; short protein forms I436V, I211V, I340V, I215V, I312V, I328V, I330V, I339V.
Identifiers: ClinVar variation 2875309 (VCV002875309.3), dbSNP rs2536296759, ClinGen allele CA370071057.